The following is an entry in ClinVar:

ClinVar aggregate classification (germline): Conflicting classifications of pathogenicity. Review status: criteria provided, conflicting classifications (1 of 4 stars). 3 submissions from 3 submitters: Uncertain significance (1); Benign (1). 1 of the submissions does not count toward it. Last evaluated 2024-03-05.

Conditions:
PIEZO1-related disorder. Also called: PIEZO1-related condition; PIEZO1-Related Disorders.

Allele frequency attached by ClinVar (database versions not stated): gnomAD 0.00005; gnomAD exomes 0.00005; TOPMed 0.00005.
gnomAD v4.1: 77 of 1,551,348 alleles (0.005%); highest among the groups gnomAD compares: Middle Eastern, 0.017%; no homozygotes.

Submissions (3):

Revvity Omics, Revvity
Classification: Uncertain significance. Last evaluated: 2024-03-05. Review status: criteria provided, single submitter. Criteria: ACMG Guidelines, 2015. Collection method: clinical testing. Allele origin: germline.

Labcorp Genetics (formerly Invitae), Labcorp
Classification: Benign. Last evaluated: 2024-01-04. Review status: criteria provided, single submitter. Criteria: Invitae Variant Classification Sherloc (09022015). Collection method: clinical testing. Allele origin: germline.

PreventionGenetics, part of Exact Sciences
Classification: Uncertain significance for PIEZO1-related condition. Last evaluated: 2024-03-26. Review status: no assertion criteria provided. Collection method: clinical testing. Allele origin: germline. Not counted in ClinVar's aggregate classification.
Comment: The PIEZO1 c.6443T>C variant is predicted to result in the amino acid substitution p.Ile2148Thr. To our knowledge, this variant has not been reported in the literature. This variant is reported in 0.0039% of alleles in individuals of European (Non-Finnish) descent in gnomAD. At this time, the clinical significance of this variant is uncertain due to the absence of conclusive functional and genetic evidence.

NM_001142864.4(PIEZO1):c.6443T>C (p.Ile2148Thr)

Gene: PIEZO1 (piezo type mechanosensitive ion channel component 1 (Er blood group); minus strand). Cytogenetic location: 16q24.3.
Variant type: single nucleotide variant.
Coding change: c.6443T>C on transcript NM_001142864.4 (MANE Select); coding-DNA position 6443, T replaced by C.
Protein change: p.Ile2148Thr; replaces isoleucine 2148 with threonine.
Molecular consequence: missense variant.
Genome position (GRCh38, 1-based): chr16:88,719,602, A>G on the plus strand (T>C on the coding strand, the complement: PIEZO1 is on the minus strand). VCF-style: chr16-88719602-A-G. GRCh37 (hg19) VCF-style: chr16-88786010-A-G.
Other names: c.6443T>C (NM_001142864.3); c.4985T>C, p.Ile1662Thr (NM_014745.1); short protein forms I2148T, I1662T.
Identifiers: ClinVar variation 2888903 (VCV002888903.5), dbSNP rs768312615, ClinGen allele CA286408804.
Genomic context (GRCh38, chr16:88,719,602, plus strand): 5'-CTTGTCCCGGCCCCCGCCCTGGGCCCAGGCACCTTCTCTGTCTCTCGGCTGCATTTGATG[A>G]TGAAGATGTTGGCATAGATGTCCTCCACACACATCCAGCTGGACAGGGACAGCGTGGTGT-3'
Protein context (NP_001136336.2, residues 2138-2158): CVEDIYANIF[Ile2148Thr]IKCSRETEKK